The following is an entry in ClinVar:

NM_000525.4(KCNJ11):c.1019C>A (p.Pro340His)

Gene: KCNJ11 (potassium inwardly rectifying channel subfamily J member 11; minus strand). Cytogenetic location: 11p15.1.
Variant type: single nucleotide variant.
Coding change: c.1019C>A on transcript NM_000525.4 (MANE Select); coding-DNA position 1019, C replaced by A.
Protein change: p.Pro340His; replaces proline 340 with histidine.
Molecular consequence: missense variant.
Genome position (GRCh38, 1-based): chr11:17,387,073, G>T on the plus strand (C>A on the coding strand, the complement: KCNJ11 is on the minus strand). VCF-style: chr11-17387073-G-T. GRCh37 (hg19) VCF-style: chr11-17408620-G-T.
Other names: c.758C>A, p.Pro253His (NM_001166290.2, NM_001377296.1, NM_001377297.1); short protein forms P253H, P340H.
Identifiers: ClinVar variation 2504984 (VCV002504984.1), dbSNP rs1324969572, ClinGen allele CA379769410.

ClinVar aggregate classification (germline): Uncertain significance (1 of 4 stars; one submission).

Submission:

GeneDx
Classification: Uncertain significance. Last evaluated: 2022-12-08. Review status: criteria provided, single submitter. Criteria: GeneDx Variant Classification Process June 2021. Collection method: clinical testing. Allele origin: germline. Affected: yes.
Comment: Not observed at significant frequency in large population cohorts (gnomAD); In silico analysis supports that this missense variant has a deleterious effect on protein structure/function; This variant is associated with the following publications: (PMID: 34462253, 35029855, 28123437, 24401662)